The following is an entry in ClinVar:

NM_014679.5(CEP57):c.1057T>A (p.Ser353Thr)

Gene: CEP57 (centrosomal protein 57; plus strand). Cytogenetic location: 11q21.
Variant type: single nucleotide variant.
Coding change: c.1057T>A on transcript NM_014679.5 (MANE Select); coding-DNA position 1057, T replaced by A.
Protein change: p.Ser353Thr; replaces serine 353 with threonine.
Molecular consequence: missense variant.
Genome position (GRCh38, 1-based): chr11:95,827,957, T>A. VCF-style: chr11-95827957-T-A. GRCh37 (hg19) VCF-style: chr11-95561121-T-A.
Other names: c.1030T>A, p.Ser344Thr (NM_001243776.2); c.979T>A, p.Ser327Thr (NM_001243777.2); c.976T>A, p.Ser326Thr (NM_001363604.2); short protein forms S353T, S326T, S344T, S327T.
Identifiers: ClinVar variation 583131 (VCV000583131.11), dbSNP rs544014488, ClinGen allele CA6239671.

ClinVar aggregate classification (germline): Uncertain significance. Review status: criteria provided, multiple submitters, no conflicts (2 of 4 stars). 2 submissions from 2 submitters: Uncertain significance (2). Last evaluated 2025-09-29.

Conditions:
Inborn genetic diseases. Identifiers: MedGen C0950123, MeSH D030342.
Mosaic variegated aneuploidy syndrome 2 (MVA2). Identifiers: Orphanet 1052, MedGen C3279843, MONDO:0013582, OMIM 614114.

Allele frequency attached by ClinVar (database versions not stated): gnomAD exomes below 0.00001 and 0.00002; ExAC 0.00004; gnomAD 0.00009 and 0.00010; TOPMed 0.00009; 1000 Genomes Project 30x 0.00047; 1000 Genomes Project 0.00060.
gnomAD v4.1: 18 of 1,613,990 alleles (0.0011%); highest among the groups gnomAD compares: African/African-American, 0.019%; no homozygotes.

Submissions (2):

Ambry Genetics
Classification: Uncertain significance for Inborn genetic diseases. Last evaluated: 2025-09-29. Review status: criteria provided, single submitter. Criteria: Ambry Variant Classification Scheme 2023. Collection method: clinical testing. Allele origin: germline.

Labcorp Genetics (formerly Invitae), Labcorp
Classification: Uncertain significance for Mosaic variegated aneuploidy syndrome 2. Last evaluated: 2020-03-29. Review status: criteria provided, single submitter. Criteria: Invitae Variant Classification Sherloc (09022015). Collection method: clinical testing. Allele origin: germline.
Comment: In summary, the available evidence is currently insufficient to determine the role of this variant in disease. Therefore, it has been classified as a Variant of Uncertain Significance. Algorithms developed to predict the effect of missense changes on protein structure and function (SIFT, PolyPhen-2, Align-GVGD) all suggest that this variant is likely to be tolerated, but these predictions have not been confirmed by published functional studies and their clinical significance is uncertain. This variant has not been reported in the literature in individuals with CEP57-related disease. This variant is present in population databases (rs544014488, ExAC 0.04%). This sequence change replaces serine with threonine at codon 353 of the CEP57 protein (p.Ser353Thr). The serine residue is moderately conserved and there is a small physicochemical difference between serine and threonine.